The following is an entry in ClinVar:

ClinVar aggregate classification (germline): Likely pathogenic (1 of 4 stars; one submission).

Allele frequency attached by ClinVar (database versions not stated): TOPMed 0.00001.
gnomAD v4.1: 10 of 1,613,632 alleles (0.00062%); highest among the groups gnomAD compares: African/African-American, 0.0013%; no homozygotes.

Submission:

Labcorp Genetics (formerly Invitae), Labcorp
Classification: Likely pathogenic. Last evaluated: 2023-07-21. Review status: criteria provided, single submitter. Criteria: Invitae Variant Classification Sherloc (09022015). Collection method: clinical testing. Allele origin: germline.
Comment: This sequence change affects a donor splice site in intron 10 of the IMPG1 gene. It is expected to disrupt RNA splicing. Variants that disrupt the donor or acceptor splice site typically lead to a loss of protein function (PMID: 16199547), and loss-of-function variants in IMPG1 are known to be pathogenic (PMID: 23993198). This variant is present in population databases (no rsID available, gnomAD 0.0009%). This variant has not been reported in the literature in individuals affected with IMPG1-related conditions. ClinVar contains an entry for this variant (Variation ID: 1002942). Algorithms developed to predict the effect of sequence changes on RNA splicing suggest that this variant may disrupt the consensus splice site. In summary, the currently available evidence indicates that the variant is pathogenic, but additional data are needed to prove that conclusively. Therefore, this variant has been classified as Likely Pathogenic.

Literature cited by the submitters: PubMed 16199547; PubMed 23993198.

NM_001563.4(IMPG1):c.1135+1G>T

Gene: IMPG1 (interphotoreceptor matrix proteoglycan 1; minus strand). Cytogenetic location: 6q14.1.
Variant type: single nucleotide variant.
Coding change: c.1135+1G>T on transcript NM_001563.4 (MANE Select); the canonical splice donor site of the intron after coding-DNA position 1135, G replaced by T.
Molecular consequence: splice donor variant.
Genome position (GRCh38, 1-based): chr6:76,005,286, C>A on the plus strand (G>T on the coding strand, the complement: IMPG1 is on the minus strand). VCF-style: chr6-76005286-C-A. GRCh37 (hg19) VCF-style: chr6-76715003-C-A.
Other names: c.901+1G>T (NM_001282368.2).
Identifiers: ClinVar variation 1002942 (VCV001002942.7), dbSNP rs948462298, ClinGen allele CA141083625.
Genomic context (GRCh38, chr6:76,005,286, plus strand): 5'-TCACATTCTTAGTCTCTGCCAAAATGAGAATAAACTCAGAACTAAGCAATCATTAACTGA[C>A]CATCAGTGAACTGAATTGTCCCCACATCCAAAGATTGTTCTTCCTCTAGTGCTTTGCTGA-3'